The following is an entry in ClinVar:

NM_002529.4(NTRK1):c.213-233A>G

Gene: NTRK1 (neurotrophic receptor tyrosine kinase 1; plus strand). Cytogenetic location: 1q23.1.
Variant type: single nucleotide variant.
Coding change: c.213-233A>G on transcript NM_002529.4 (MANE Select); 233 bases into the intron before coding-DNA position 213, A replaced by G.
Molecular consequence: intron variant.
Genome position (GRCh38, 1-based): chr1:156,864,121, A>G. VCF-style: chr1-156864121-A-G. GRCh37 (hg19) VCF-style: chr1-156833913-A-G.
Other names: c.123-233A>G (NM_001007792.1); c.213-233A>G (NM_001012331.2).
Identifiers: ClinVar variation 677592 (VCV000677592.2), dbSNP rs74118782, ClinGen allele CA10928093.

ClinVar aggregate classification (germline): Benign. Review status: criteria provided, multiple submitters, no conflicts (2 of 4 stars). 2 submissions from 2 submitters: Benign (2). Last evaluated 2018-06-16.

Allele frequency attached by ClinVar (database versions not stated): gnomAD 0.06848; TOPMed 0.07851; 1000 Genomes Project 0.08147; 1000 Genomes Project 30x 0.08479.
gnomAD v4.1: 10,734 of 152,024 alleles (7.1%); highest among the groups gnomAD compares: African/African-American, 24%; 1,244 homozygotes.

Submissions (2):

GeneDx
Classification: Benign. Last evaluated: 2018-06-16. Review status: criteria provided, single submitter. Criteria: GeneDx Variant Classification (06012015). Collection method: clinical testing. Allele origin: germline. Affected: yes.
Comment: This variant is considered likely benign or benign based on one or more of the following criteria: it is a conservative change, it occurs at a poorly conserved position in the protein, it is predicted to be benign by multiple in silico algorithms, and/or has population frequency not consistent with disease.

Breakthrough Genomics
Classification: Benign. Review status: criteria provided, single submitter. Criteria: ACMG Guidelines, 2015. Collection method: not provided. Allele origin: germline. Inheritance: Autosomal recessive inheritance. Affected: yes.